The following is an entry in ClinVar:

NM_001080517.3(SETD5):c.3861C>T (p.His1287=)

Gene: SETD5 (SET domain containing 5; plus strand). Cytogenetic location: 3p25.3.
Variant type: single nucleotide variant.
Coding change: c.3861C>T on transcript NM_001080517.3 (MANE Select); coding-DNA position 3861, C replaced by T.
Protein change: p.His1287=; no amino-acid change (histidine 1287 retained).
Molecular consequence: synonymous variant.
Genome position (GRCh38, 1-based): chr3:9,475,623, C>T. VCF-style: chr3-9475623-C-T. GRCh37 (hg19) VCF-style: chr3-9517307-C-T.
Other names: c.3567C>T, p.His1189= (NM_001292043.2, NM_001349451.2).
Identifiers: ClinVar variation 3058080 (VCV003058080.2), dbSNP rs568748768, ClinGen allele CA69951944.

ClinVar aggregate classification (germline): Likely benign (0 of 4 stars; one submission).

Conditions:
SETD5-related disorder. Also called: SETD5-related disorders; SETD5-related condition.

Allele frequency attached by ClinVar (database versions not stated): TOPMed below 0.00001; gnomAD 0.00001; 1000 Genomes Project 30x 0.00016; 1000 Genomes Project 0.00020.
gnomAD v4.1: 10 of 1,613,978 alleles (0.00062%); highest among the groups gnomAD compares: South Asian, 0.0033%; no homozygotes.

Submission:

PreventionGenetics, part of Exact Sciences
Classification: Likely benign for SETD5-related condition. Last evaluated: 2023-03-29. Review status: no assertion criteria provided. Collection method: clinical testing. Allele origin: germline.
Comment: This variant is classified as likely benign based on ACMG/AMP sequence variant interpretation guidelines (Richards et al. 2015 PMID: 25741868, with internal and published modifications).